The following is an entry in ClinVar:

NM_025137.4(SPG11):c.4002-6T>C

Gene: SPG11 (SPG11 vesicle trafficking associated, spatacsin; minus strand). Cytogenetic location: 15q21.1.
Variant type: single nucleotide variant.
Coding change: c.4002-6T>C on transcript NM_025137.4 (MANE Select); 6 bases into the intron before coding-DNA position 4002, T replaced by C.
Molecular consequence: intron variant.
Genome position (GRCh38, 1-based): chr15:44,596,949, A>G on the plus strand (T>C on the coding strand, the complement: SPG11 is on the minus strand). VCF-style: chr15-44596949-A-G. GRCh37 (hg19) VCF-style: chr15-44889147-A-G.
Other names: c.4002-6T>C (NM_001160227.2).
Identifiers: ClinVar variation 1736941 (VCV001736941.2), dbSNP rs2505379049, ClinGen allele CA2580089692.
Genomic context (GRCh38, chr15:44,596,949, plus strand): 5'-TAGCCTGCAGAACTGCACCACTAATGCCCATTGGCTGCTAGATTCACTGGATAACCTATA[A>G]TCAGAATTAGAGGTGGGGGTGGTCAAGAAAAAACAAAAAACTCATTAAAATATAGCTTTA-3'

ClinVar aggregate classification (germline): Uncertain significance (1 of 4 stars; one submission).

Conditions:
Inborn genetic diseases. Identifiers: MedGen C0950123, MeSH D030342.

Submission:

Ambry Genetics
Classification: Uncertain significance for Inborn genetic diseases. Last evaluated: 2021-12-13. Review status: criteria provided, single submitter. Criteria: Ambry Variant Classification Scheme 2023. Collection method: clinical testing. Allele origin: germline.
Comment: The c.4002-6T>C intronic variant results from a T to C substitution 6 nucleotides upstream from coding exon 24 in the SPG11 gene. This nucleotide position is well conserved in available vertebrate species. In silico splice site analysis predicts that this alteration will not have any significant effect on splicing. Since supporting evidence is limited at this time, the clinical significance of this alteration remains unclear.